The following is an entry in ClinVar:

ClinVar aggregate classification (germline): Uncertain significance (1 of 4 stars; one submission).

Submission:

Labcorp Genetics (formerly Invitae), Labcorp
Classification: Uncertain significance for Combined immunodeficiency due to DOCK8 deficiency. Last evaluated: 2022-07-30. Review status: criteria provided, single submitter. Criteria: Invitae Variant Classification Sherloc (09022015). Collection method: clinical testing. Allele origin: germline.
Comment: Algorithms developed to predict the effect of missense changes on protein structure and function are either unavailable or do not agree on the potential impact of this missense change (SIFT: "Deleterious"; PolyPhen-2: "Benign"; Align-GVGD: "Class C0"). This variant has not been reported in the literature in individuals affected with DOCK8-related conditions. This variant is not present in population databases (gnomAD no frequency). This sequence change replaces glutamine, which is neutral and polar, with histidine, which is basic and polar, at codon 656 of the DOCK8 protein (p.Gln656His). In summary, the available evidence is currently insufficient to determine the role of this variant in disease. Therefore, it has been classified as a Variant of Uncertain Significance.

NM_203447.4(DOCK8):c.1968G>C (p.Gln656His)

Gene: DOCK8 (dedicator of cytokinesis 8; plus strand). Cytogenetic location: 9p24.3.
Variant type: single nucleotide variant.
Coding change: c.1968G>C on transcript NM_203447.4 (MANE Select); coding-DNA position 1968, G replaced by C.
Protein change: p.Gln656His; replaces glutamine 656 with histidine.
Molecular consequence: missense variant.
Genome position (GRCh38, 1-based): chr9:371,527, G>C. VCF-style: chr9-371527-G-C. GRCh37 (hg19) VCF-style: chr9-371527-G-C.
Other names: c.1764G>C, p.Gln588His (NM_001190458.2, NM_001193536.2); short protein forms Q588H, Q656H.
Identifiers: ClinVar variation 2421866 (VCV002421866.9), dbSNP rs2538290701, ClinGen allele CA372761558.
Genomic context (GRCh38, chr9:371,527, plus strand): 5'-CGCTAAGCTCACAGTAAATCACCACCTCCTGTTCACCTTCTACCATATCAGCTGTCAGCA[G>C]AAGCAAGGAGCCTCCGTGGAAACTCTCCTGGGATATTCAGTGAGTTGTTTCCAGCCTGCT-3'
Protein context (NP_982272.2, residues 646-666): LFTFYHISCQ[Gln656His]KQGASVETLL